The following is an entry in ClinVar:

ClinVar aggregate classification (germline): Uncertain significance (1 of 4 stars; one submission).

gnomAD v4.1: 1 of 1,578,046 alleles (0.000063%); highest among the groups gnomAD compares: Admixed American, 0.0018%; no homozygotes.

Submission:

Ambry Genetics
Classification: Uncertain significance. Last evaluated: 2025-05-11. Review status: criteria provided, single submitter. Criteria: Ambry Variant Classification Scheme 2023. Collection method: clinical testing. Allele origin: germline.
Comment: The p.V635L variant (also known as c.1903G>T), located in coding exon 8 of the WNK2 gene, results from a G to T substitution at nucleotide position 1903. The valine at codon 635 is replaced by leucine, an amino acid with highly similar properties. This amino acid position is conserved. In addition, this alteration is predicted to be tolerated by in silico analysis. Based on the available evidence, the clinical significance of this variant remains unclear.

NM_006648.4(WNK2):c.1903G>T (p.Val635Leu)

Gene: WNK2 (WNK lysine deficient protein kinase 2; plus strand). Cytogenetic location: 9q22.31.
Variant type: single nucleotide variant.
Coding change: c.1903G>T on transcript NM_006648.4 (MANE Select); coding-DNA position 1903, G replaced by T.
Protein change: p.Val635Leu; replaces valine 635 with leucine.
Molecular consequence: missense variant.
Genome position (GRCh38, 1-based): chr9:93,252,951, G>T. VCF-style: chr9-93252951-G-T. GRCh37 (hg19) VCF-style: chr9-96015233-G-T.
Other names: c.1903G>T, p.Val635Leu (NM_001282394.3); short protein forms V635L.
Identifiers: ClinVar variation 3982024 (VCV003982024.1).